The following is an entry in ClinVar:

ClinVar aggregate classification (germline): Uncertain significance (1 of 4 stars; one submission).

Conditions:
Congenital multicore myopathy with external ophthalmoplegia (CMYO1B). Also called: Congenital myopathy 1B, autosomal recessive; Minicore myopathy; MULTIMINICORE DISEASE WITH EXTERNAL OPHTHALMOPLEGIA; MULTICORE MYOPATHY; Minicore myopathy with external ophthalmoplegia. Identifiers: Orphanet 598, Orphanet 98905, MedGen C1850674, MONDO:0009712, OMIM 255320, HP:0003789.

Submission:

3billion
Classification: Uncertain significance for Congenital multicore myopathy with external ophthalmoplegia. Last evaluated: 2025-03-10. Review status: criteria provided, single submitter. Criteria: ACMG Guidelines, 2015. Collection method: clinical testing. Allele origin: germline. Affected: yes.
Comment: The variant is not observed in the gnomAD v4.1.0 dataset. Predicted Consequence/Location: Missense variant. In silico tool predictions suggest damaging effect of the variant on gene or gene product [REVEL: 0.78 (>=0.6, sensitivity 0.68 and specificity 0.92)]. Therefore, this variant is classified as VUS according to the recommendation of ACMG/AMP guideline.

NM_000540.3(RYR1):c.8603C>T (p.Ser2868Phe)

Genes: RYR1 (ryanodine receptor 1; plus strand), LOC126862902 (BRD4-independent group 4 enhancer GRCh37_chr19:38995830-38997029; plus strand). Cytogenetic location: 19q13.2.
Variant type: single nucleotide variant.
Coding change: c.8603C>T on transcript NM_000540.3 (MANE Select); coding-DNA position 8603, C replaced by T.
Protein change: p.Ser2868Phe; replaces serine 2868 with phenylalanine.
Molecular consequence: missense variant.
Genome position (GRCh38, 1-based): chr19:38,506,364, C>T. VCF-style: chr19-38506364-C-T. GRCh37 (hg19) VCF-style: chr19-38997004-C-T.
Other names: c.8603C>T, p.Ser2868Phe (NM_001042723.2); short protein forms S2868F.
Identifiers: ClinVar variation 4072305 (VCV004072305.1).